The following is an entry in ClinVar:

NM_006197.4(PCM1):c.5003G>C (p.Cys1668Ser)

Gene: PCM1 (pericentriolar material 1; plus strand). Cytogenetic location: 8p22.
Variant type: single nucleotide variant.
Coding change: c.5003G>C on transcript NM_006197.4 (MANE Select); coding-DNA position 5003, G replaced by C.
Protein change: p.Cys1668Ser; replaces cysteine 1668 with serine.
Molecular consequence: missense variant. On other transcripts: non-coding transcript variant (1).
Genome position (GRCh38, 1-based): chr8:18,009,587, G>C. VCF-style: chr8-18009587-G-C. GRCh37 (hg19) VCF-style: chr8-17867096-G-C.
Other names: c.4982G>C, p.Cys1661Ser (NM_001352635.2); c.4958G>C, p.Cys1653Ser (NM_001352636.2); c.4955G>C, p.Cys1652Ser (NM_001352637.2); c.4931G>C, p.Cys1644Ser (NM_001352638.2); c.4850G>C, p.Cys1617Ser (NM_001352639.2); c.4841G>C, p.Cys1614Ser (NM_001352640.2, NM_001315508.2); c.4826G>C, p.Cys1609Ser (NM_001352641.2); c.4838G>C, p.Cys1613Ser (NM_001352642.2, NM_001352644.2, NM_001352645.2); and 8 more; short protein forms C1614S, C1644S, C1652S, C1661S, C1706S, C1711S, C1668S, C1672S.
Identifiers: ClinVar variation 4133255 (VCV004133255.3).
Genomic context (GRCh38, chr8:18,009,587, plus strand): 5'-TTTGGTTTATCTTTGAATAGGATTCACTGGCAAAATTTGCTGGCAGAAAACTGAAAGACT[G>C]TGGAGAAGATCTTCTTGTAGAGATATCTGAAGTGTTGTTCAATGAATTGGCTTTCTTTAA-3'
Protein context (NP_006188.4, residues 1658-1678): AKFAGRKLKD[Cys1668Ser]GEDLLVEISE

ClinVar aggregate classification (germline): Uncertain significance. Review status: criteria provided, multiple submitters, no conflicts (2 of 4 stars). 2 submissions from 2 submitters: Uncertain significance (2). Last evaluated 2025-08-01.

gnomAD v4.1: 2 of 1,602,908 alleles (0.00012%); highest among the groups gnomAD compares: Non-Finnish European, 0.00017%; no homozygotes.

Submissions (2):

Ambry Genetics
Classification: Uncertain significance. Last evaluated: 2025-08-01. Review status: criteria provided, single submitter. Criteria: Ambry Variant Classification Scheme 2023. Collection method: clinical testing. Allele origin: germline.

Dasa
Classification: Uncertain significance. Last evaluated: 2024-10-28. Review status: criteria provided, single submitter. Criteria: DASA Assertion Criteria. Collection method: clinical testing. Allele origin: germline.
Comment: NM_006197.4(PCM1):c.5003G>C (p.Cys1668Ser) is a missense variant that results in the substitution of cysteine with serine. This variant is rare in population databases. Computational prediction algorithms are consistent with a deleterious effect. The currently available literature and clinical evidence are not sufficient to establish a definitive association between this variant and the reported condition. Therefore, this variant is classified as a variant of uncertain significance.